The following is an entry in ClinVar:

ClinVar aggregate classification (germline): Uncertain significance. Review status: criteria provided, multiple submitters, no conflicts (2 of 4 stars). 2 submissions from 2 submitters: Uncertain significance (2). Last evaluated 2026-01-22.

Conditions:
SCN11A-related disorder. Also called: SCN11A-related condition.
Hereditary sensory and autonomic neuropathy type 7. Also called: HSAN VII; Neuropathy, hereditary sensory and autonomic, type VII. Identifiers: Orphanet 391397, MedGen C3809882, MONDO:0014244, OMIM 615548.
Familial episodic pain syndrome with predominantly lower limb involvement. Also called: Episodic pain syndrome, familial, 3. Identifiers: Orphanet 391384, Orphanet 391392, MedGen C3809899, MONDO:0014247, OMIM 615552.

Allele frequency attached by ClinVar (database versions not stated): gnomAD 0.00001; gnomAD exomes 0.00001.
gnomAD v4.1: 19 of 1,612,664 alleles (0.0012%); highest among the groups gnomAD compares: Non-Finnish European, 0.0015%; no homozygotes.

Submissions (2):

PreventionGenetics, part of Exact Sciences
Classification: Uncertain significance for SCN11A-related condition. Last evaluated: 2026-01-22. Review status: criteria provided, single submitter. Criteria: ACMG Guidelines, 2015. Collection method: clinical testing. Allele origin: germline.
Comment: The SCN11A c.2344G>A variant is predicted to result in the amino acid substitution p.Ala782Thr. To our knowledge, this variant has not been reported in the literature or in a large population database (gnomAD), indicating this variant is rare. At this time, the clinical significance of this variant is uncertain due to the absence of conclusive functional and genetic evidence.

Labcorp Genetics (formerly Invitae), Labcorp
Classification: Uncertain significance for Familial episodic pain syndrome with predominantly lower limb involvement; Hereditary sensory and autonomic neuropathy type 7. Last evaluated: 2025-09-13. Review status: criteria provided, single submitter. Criteria: Invitae Variant Classification Sherloc (09022015). Collection method: clinical testing. Allele origin: germline.
Comment: This sequence change replaces alanine, which is neutral and non-polar, with threonine, which is neutral and polar, at codon 782 of the SCN11A protein (p.Ala782Thr). This variant is not present in population databases (gnomAD no frequency). This variant has not been reported in the literature in individuals affected with SCN11A-related conditions. ClinVar contains an entry for this variant (Variation ID: 848774). An algorithm developed to predict the effect of missense changes on protein structure and function outputs the following: PolyPhen-2: "Benign". The threonine amino acid residue is found in multiple mammalian species, which suggests that this missense change does not adversely affect protein function. In summary, the available evidence is currently insufficient to determine the role of this variant in disease. Therefore, it has been classified as a Variant of Uncertain Significance.

NM_001349253.2(SCN11A):c.2344G>A (p.Ala782Thr)

Gene: SCN11A (sodium voltage-gated channel alpha subunit 11; minus strand). Cytogenetic location: 3p22.2.
Variant type: single nucleotide variant.
Coding change: c.2344G>A on transcript NM_001349253.2 (MANE Select); coding-DNA position 2344, G replaced by A.
Protein change: p.Ala782Thr; replaces alanine 782 with threonine.
Molecular consequence: missense variant.
Genome position (GRCh38, 1-based): chr3:38,896,904, C>T on the plus strand (G>A on the coding strand, the complement: SCN11A is on the minus strand). VCF-style: chr3-38896904-C-T. GRCh37 (hg19) VCF-style: chr3-38938395-C-T.
Other names: c.2344G>A, p.Ala782Thr (NM_014139.3); short protein forms A782T.
Identifiers: ClinVar variation 848774 (VCV000848774.7), dbSNP rs1434033397, ClinGen allele CA352157460.